The following is an entry in ClinVar:

NM_000744.7(CHRNA4):c.851C>G (p.Ser284Trp)

Gene: CHRNA4 (cholinergic receptor nicotinic alpha 4 subunit; minus strand). Cytogenetic location: 20q13.33.
Variant type: single nucleotide variant.
Coding change: c.851C>G on transcript NM_000744.7 (MANE Select); coding-DNA position 851, C replaced by G.
Protein change: p.Ser284Trp; replaces serine 284 with tryptophan.
Molecular consequence: missense variant. On other transcripts: non-coding transcript variant (1).
Genome position (GRCh38, 1-based): chr20:63,350,560, G>C on the plus strand (C>G on the coding strand, the complement: CHRNA4 is on the minus strand). VCF-style: chr20-63350560-G-C. GRCh37 (hg19) VCF-style: chr20-61981912-G-C.
Other names: c.323C>G, p.Ser108Trp (NM_001256573.2); short protein forms S108W, S284W.
Identifiers: ClinVar variation 969721 (VCV000969721.10), dbSNP rs28931591, ClinGen allele CA409636492.
Genomic context (GRCh38, chr20:63,350,560, plus strand): 5'-GGGATGACCAGTGAGGTGGACGGGATGATCTCGGTGATGAGCAGCAGGAAGACGGTGAGC[G>C]ACAGCAGCACGGAGATGCACAGCGTGATCTTCTCGCCACACTCGGAGGGCAGGTAGAAGA-3'
Protein context (NP_000735.1, residues 274-294): KITLCISVLL[Ser284Trp]LTVFLLLITE

ClinVar aggregate classification (germline): Uncertain significance (1 of 4 stars; one submission).

Conditions:
Familial sleep-related hypermotor epilepsy. Also called: Autosomal Dominant Sleep-Related Hypermotor (Hyperkinetic) Epilepsy. Identifiers: Orphanet 98784, MedGen C3696898, MONDO:0000030.

Submission:

Labcorp Genetics (formerly Invitae), Labcorp
Classification: Uncertain significance. Last evaluated: 2022-11-01. Review status: criteria provided, single submitter. Criteria: Invitae Variant Classification Sherloc (09022015). Collection method: clinical testing. Allele origin: germline.
Comment: In summary, the available evidence is currently insufficient to determine the role of this variant in disease. Therefore, it has been classified as a Variant of Uncertain Significance. This variant disrupts the p.Ser284 amino acid residue in CHRNA4. Other variant(s) that disrupt this residue have been determined to be pathogenic (PMID: 10563623, 10939581, 12887446, 14623738, 22118295). This suggests that this residue is clinically significant, and that variants that disrupt this residue are likely to be disease-causing. Experimental studies have shown that this missense change affects CHRNA4 function (PMID: 36292983). Advanced modeling of protein sequence and biophysical properties (such as structural, functional, and spatial information, amino acid conservation, physicochemical variation, residue mobility, and thermodynamic stability) performed at Invitae indicates that this missense variant is expected to disrupt CHRNA4 protein function. This missense change has been observed in individual(s) with autosomal dominant nocturnal frontal lobe epilepsy (PMID: 36292983; Invitae). This variant is not present in population databases (gnomAD no frequency). This sequence change replaces serine, which is neutral and polar, with tryptophan, which is neutral and slightly polar, at codon 284 of the CHRNA4 protein (p.Ser284Trp). ClinVar contains an entry for this variant (Variation ID: 969721).

Literature cited by the submitters: PubMed 10563623; PubMed 10939581; PubMed 12887446; PubMed 14623738; PubMed 22118295; PubMed 36292983.